The following is an entry in ClinVar:

ClinVar aggregate classification (germline): Uncertain significance. Review status: criteria provided, multiple submitters, no conflicts (2 of 4 stars). 8 submissions from 8 submitters: Uncertain significance (8). Last evaluated 2026-02-09.

Conditions:
PNPO-related disorder. Also called: PNPO-related disorders; PNPO-related condition.
Inborn genetic diseases. Identifiers: MedGen C0950123, MeSH D030342.
Pyridoxal phosphate-responsive seizures (PNPOD). Also called: Pyridoxal 5'-Phosphate (PLP)-Dependent Epilepsy; SEIZURES, PYRIDOXINE-RESISTANT, PLP-SENSITIVE; Pyridoxine-5'-phosphate oxidase deficiency; EPILEPTIC ENCEPHALOPATHY, NEONATAL, PNPO-RELATED; Pyridoxamine 5-Prime-Phosphate Oxidase Deficiency. Identifiers: Orphanet 79096, MedGen C1864723, MONDO:0012407, OMIM 610090. Disease mechanism: loss of function.

Allele frequency attached by ClinVar (database versions not stated): gnomAD 0.00001 and 0.00003; TOPMed 0.00003; gnomAD exomes 0.00005 and 0.00009; ExAC 0.00009; 1000 Genomes Project 30x 0.00016; 1000 Genomes Project 0.00020.
gnomAD v4.1: 72 of 1,613,516 alleles (0.0045%); highest among the groups gnomAD compares: South Asian, 0.055%; no homozygotes.

Submissions (8):

Ambry Genetics
Classification: Uncertain significance for Inborn genetic diseases. Last evaluated: 2026-02-09. Review status: criteria provided, single submitter. Criteria: Ambry Variant Classification Scheme 2023. Collection method: clinical testing. Allele origin: germline.
Comment: The c.148G>A (p.E50K) alteration is located in exon 2 (coding exon 2) of the PNPO gene. This alteration results from a G to A substitution at nucleotide position 148, causing the glutamic acid (E) at amino acid position 50 to be replaced by a lysine (K). Based on data from gnomAD, the A allele has an overall frequency of 0.008% (23/282844) total alleles studied. The highest observed frequency was 0.059% (18/30616) of South Asian alleles. Based on insufficient or conflicting evidence, the clinical significance of this alteration remains unclear.

PreventionGenetics, part of Exact Sciences
Classification: Uncertain significance for PNPO-related condition. Last evaluated: 2025-11-19. Review status: criteria provided, single submitter. Criteria: ACMG Guidelines, 2015. Collection method: clinical testing. Allele origin: germline.
Comment: The PNPO c.148G>A variant is predicted to result in the amino acid substitution p.Glu50Lys. This variant has been reported in three patients with neonatal epileptic encephalopathy in cis with the pathogenic variant c.364-1G>A (described as IVS3-1G>A, Mills et al. 2005. PubMed ID: 15772097; Mills et al. 2014. PubMed ID: 24645144). This variant has also been reported in the compound heterozygous state in a patient with focal seizures, although pathogenicity was not clearly established (Xue et al. 2017. PubMed ID: 28349276). Functional studies found this variant had no effect or modestly reduced PNPO activity by 27% compared to wildtype (Mills et al. 2005. PubMed ID: 15772097; Mills et al. 2014. PubMed ID: 24645144). In summary, in patients with a positive genetic diagnosis this variant has always been reported in cis with the pathogenic c.364-1G>A variant with confirmed effect on splicing, and the p.Glu50Lys variant does not substantially effect PNPO activity (reviewed in Barile et al. 2021. PubMed ID: 34769443). This variant is reported in 0.059% of alleles in individuals of South Asian descent in gnomAD. Although we suspect that this variant may be benign, at this time, the clinical significance of this variant is uncertain due to the absence of conclusive functional and genetic evidence.

Women's Health and Genetics/Laboratory Corporation of America, LabCorp
Classification: Uncertain significance. Last evaluated: 2024-04-29. Review status: criteria provided, single submitter. Criteria: LabCorp Variant Classification Summary - May 2015. Collection method: clinical testing. Allele origin: germline.
Comment: Variant summary: PNPO c.148G>A (p.Glu50Lys) results in a conservative amino acid change in the encoded protein sequence. Four of five in-silico tools predict a damaging effect of the variant on protein function. The variant allele was found at a frequency of 8.7e-05 in 251436 control chromosomes, predominantly at a frequency of 0.00059 within the South Asian subpopulation in the gnomAD database. This frequency is not significantly higher than estimated for a pathogenic variant in PNPO causing Pyridoxal 5'-Phosphate-Dependent Epilepsy (8.7e-05 vs 0.0011), allowing no conclusion about variant significance. c.148G>A has been reported in the literature in individuals affected with Pyridoxal 5'-Phosphate-Dependent Epilepsy (e.g. Mills_2005, Mills_2014, Xue_2017). However, in some cases it was observed in cis with a splice site variant determined to be enzymatically null in functional studies (Mills_2005). In a case with global developmental delay, seizures, and attention deficit hyperactivity disorder, it was found in trans with the splice site variant (Pranav Chand_2023). These reports do not provide unequivocal conclusions about association of the variant with Pyridoxal 5'-Phosphate-Dependent Epilepsy. Experimental studies evaluating an impact on protein function have reported that the E50K variant has only mildly altered catalytic properties and the most pronounced variant effect results in a 25% decrease in normal activity (Mills_2014, Barile_2021). The following publications have been ascertained in the context of this evaluation (PMID: 24645144, 34769443, 15772097, 28349276, 36801247). ClinVar contains an entry for this variant (Variation ID: 206440). Based on the evidence outlined above, the variant was classified as uncertain significance.

Labcorp Genetics (formerly Invitae), Labcorp
Classification: Uncertain significance for Pyridoxal phosphate-responsive seizures. Last evaluated: 2022-08-22. Review status: criteria provided, single submitter. Criteria: Invitae Variant Classification Sherloc (09022015). Collection method: clinical testing. Allele origin: germline.
Comment: This sequence change replaces glutamic acid, which is acidic and polar, with lysine, which is basic and polar, at codon 50 of the PNPO protein (p.Glu50Lys). This variant is present in population databases (rs549477447, gnomAD 0.06%). This missense change has been observed in individual(s) with neonatal epileptic encephalopathy (PMID: 15772097, 24645144, 28349276). ClinVar contains an entry for this variant (Variation ID: 206440). Algorithms developed to predict the effect of missense changes on protein structure and function are either unavailable or do not agree on the potential impact of this missense change (SIFT: "Deleterious"; PolyPhen-2: "Probably Damaging"; Align-GVGD: "Class C0"). Experimental studies have shown that this missense change does not substantially affect PNPO function (PMID: 34769443). In summary, the available evidence is currently insufficient to determine the role of this variant in disease. Therefore, it has been classified as a Variant of Uncertain Significance.

Dubai Health Genomic Medicine Center, Dubai Health
Classification: Uncertain significance for Pyridoxal phosphate-responsive seizures. Last evaluated: 2020-02-02. Review status: criteria provided, single submitter. Criteria: ACMG Guidelines, 2015. Collection method: clinical testing. Allele origin: germline. Affected: yes.

Revvity Omics, Revvity
Classification: Uncertain significance for Pyridoxal phosphate-responsive seizures. Last evaluated: 2019-08-21. Review status: criteria provided, single submitter. Criteria: ACMG Guidelines, 2015. Collection method: clinical testing. Allele origin: germline.

GeneDx
Classification: Uncertain significance. Last evaluated: 2017-02-13. Review status: criteria provided, single submitter. Criteria: GeneDx Variant Classification (06012015). Collection method: clinical testing. Allele origin: germline. Affected: yes.
Comment: p.Glu50Lys (GAG>AAG): c.148 G>A in exon 2 of the PNPO gene (NM_018129.3). The E50K variant was previously reported in an affected patient who was homozygous for E50K and homozygous for a splice mutation (Mills et al., 2005). Functional analysis demonstrated normal enzyme activity in the presence of the homozygous E50K variant, and therefore the authors concluded that E50K is likely a benign variant (Mills et al., 2005). However, E50K was not observed in approximately 6,500 individuals of European and African American ancestry in the NHLBI Exome Sequencing Project, indicating it is not a common benign variant in these populations. The E50K variant is a non-conservative amino acid substitution, which is likely to impact secondary protein structure as these residues differ in polarity, charge, size and/or other properties. This substitution occurs at a position that is conserved across species, and in silico analysis predicts this variant is probably damaging to the protein structure/function. Therefore, the clinical and molecular information available at this time suggests that this variant is likely non-pathogenic; however, the possibility that it is a disease-associated mutation cannot be excluded. The variant is found in EPILEPSY panel(s).

Neuberg Centre For Genomic Medicine, NCGM
Classification: Uncertain significance for Pyridoxal phosphate-responsive seizures. Review status: criteria provided, single submitter. Criteria: ACMG Guidelines, 2015. Collection method: clinical testing. Allele origin: germline. Inheritance: Autosomal recessive inheritance. Affected: yes.
Comment: The missense variant c.148G>A (p.Glu50Lys) in PNPO gene has been submitted to ClinVar as a Variant of Uncertain Significance (VUS). The c.148G>A (p.Glu50Lys) variant is reported with the allele frequency (0.008%) in the gnomAD Exomes and is novel (not in any individuals) in 1000 Genomes. The amino acid Glu at position 50 is changed to a Lys changing protein sequence and it might alter its composition and physico-chemical properties. The variant is predicted to be damaging by both SIFT and PolyPhen2. The residue is conserved across species. The amino acid change p.Glu50Lys in PNPO is predicted as conserved by GERP++ and PhyloP across 100 vertebrates. This variant has been observed in several individuals affected with neonatal epileptic encephalopathy. However in at least 2 individuals this variant was observed to be in cis with a pathogenic variant and was not thought to contribute to the disease phenotype (Xue et al., 2017; Mills et al., 2005). This variant has been reported to have conflicting or insufficient data to determine the effect on PNPO protein function ( Mills et al., 2005). For these reasons, this variant has been classified as Variant of Uncertain Significance (VUS).

Literature cited by the submitters: PubMed 24645144 (cited by Women's Health and Genetics/Laboratory Corporation of America, LabCorp and Labcorp Genetics (formerly Invitae), Labcorp); PubMed 34769443 (cited by Women's Health and Genetics/Laboratory Corporation of America, LabCorp and Labcorp Genetics (formerly Invitae), Labcorp); PubMed 15772097 (cited by Women's Health and Genetics/Laboratory Corporation of America, LabCorp and Labcorp Genetics (formerly Invitae), Labcorp); PubMed 28349276 (cited by Women's Health and Genetics/Laboratory Corporation of America, LabCorp and Labcorp Genetics (formerly Invitae), Labcorp); PubMed 36801247 (cited by Women's Health and Genetics/Laboratory Corporation of America, LabCorp).

NM_018129.4(PNPO):c.148G>A (p.Glu50Lys)

Gene: PNPO (pyridoxamine 5'-phosphate oxidase; plus strand). Cytogenetic location: 17q21.32.
Variant type: single nucleotide variant.
Coding change: c.148G>A on transcript NM_018129.4 (MANE Select); coding-DNA position 148, G replaced by A.
Protein change: p.Glu50Lys; replaces glutamic acid 50 with lysine.
Molecular consequence: missense variant.
Genome position (GRCh38, 1-based): chr17:47,943,315, G>A. VCF-style: chr17-47943315-G-A. GRCh37 (hg19) VCF-style: chr17-46020681-G-A.
Other names: p.E50K:GAG>AAG; short protein forms E50K.
Identifiers: ClinVar variation 206440 (VCV000206440.16), dbSNP rs549477447, ClinGen allele CA316546.